The following is an entry in ClinVar:

ClinVar aggregate classification (germline): Uncertain significance (1 of 4 stars; one submission).

Conditions:
Severe combined immunodeficiency due to DNA-PKcs deficiency. Also called: IMMUNODEFICIENCY 26 WITH NEUROLOGIC ABNORMALITIES; Immunodeficiency 26 with or without neurologic abnormalities. Identifiers: Orphanet 317425, MedGen C4014833, MONDO:0014423, OMIM 615966.

Allele frequency attached by ClinVar (database versions not stated): gnomAD exomes below 0.00001.
gnomAD v4.1: 5 of 1,606,718 alleles (0.00031%); highest among the groups gnomAD compares: South Asian, 0.0011%; no homozygotes.

Submission:

Labcorp Genetics (formerly Invitae), Labcorp
Classification: Uncertain significance for Severe combined immunodeficiency due to DNA-PKcs deficiency. Last evaluated: 2023-10-28. Review status: criteria provided, single submitter. Criteria: Invitae Variant Classification Sherloc (09022015). Collection method: clinical testing. Allele origin: germline.
Comment: This sequence change replaces proline, which is neutral and non-polar, with leucine, which is neutral and non-polar, at codon 3175 of the PRKDC protein (p.Pro3175Leu). This variant is not present in population databases (gnomAD no frequency). This variant has not been reported in the literature in individuals affected with PRKDC-related conditions. Advanced modeling of protein sequence and biophysical properties (such as structural, functional, and spatial information, amino acid conservation, physicochemical variation, residue mobility, and thermodynamic stability) performed at Invitae indicates that this missense variant is expected to disrupt PRKDC protein function with a positive predictive value of 80%. In summary, the available evidence is currently insufficient to determine the role of this variant in disease. Therefore, it has been classified as a Variant of Uncertain Significance.

NM_006904.7(PRKDC):c.9524C>T (p.Pro3175Leu)

Gene: PRKDC (protein kinase, DNA-activated, catalytic subunit; minus strand). Cytogenetic location: 8q11.21.
Variant type: single nucleotide variant.
Coding change: c.9524C>T on transcript NM_006904.7 (MANE Select); coding-DNA position 9524, C replaced by T.
Protein change: p.Pro3175Leu; replaces proline 3175 with leucine.
Molecular consequence: missense variant.
Genome position (GRCh38, 1-based): chr8:47,817,483, G>A on the plus strand (C>T on the coding strand, the complement: PRKDC is on the minus strand). VCF-style: chr8-47817483-G-A. GRCh37 (hg19) VCF-style: chr8-48730044-G-A.
Other names: c.9524C>T, p.Pro3175Leu (NM_001081640.2); short protein forms P3175L.
Identifiers: ClinVar variation 2837998 (VCV002837998.3), dbSNP rs1215860518, ClinGen allele CA371137033.